The following is an entry in ClinVar:

NM_004341.5(CAD):c.6116G>A (p.Arg2039Gln)

Gene: CAD (carbamoyl-phosphate synthetase 2, aspartate transcarbamylase, and dihydroorotase; plus strand). Cytogenetic location: 2p23.3.
Variant type: single nucleotide variant.
Coding change: c.6116G>A on transcript NM_004341.5 (MANE Select); coding-DNA position 6116, G replaced by A.
Protein change: p.Arg2039Gln; replaces arginine 2039 with glutamine.
Molecular consequence: missense variant.
Genome position (GRCh38, 1-based): chr2:27,242,321, G>A. VCF-style: chr2-27242321-G-A. GRCh37 (hg19) VCF-style: chr2-27465189-G-A.
Other names: c.5927G>A, p.Arg1976Gln (NM_001306079.2); short protein forms R2039Q, R1976Q.
Identifiers: ClinVar variation 1502602 (VCV001502602.3), dbSNP rs1433885288, ClinGen allele CA346224344.

ClinVar aggregate classification (germline): Uncertain significance (1 of 4 stars; one submission).

Allele frequency attached by ClinVar (database versions not stated): gnomAD exomes below 0.00001; gnomAD 0.00001; TOPMed 0.00001.
gnomAD v4.1: 15 of 1,612,532 alleles (0.00093%); highest among the groups gnomAD compares: African/African-American, 0.0013%; no homozygotes.

Submission:

Labcorp Genetics (formerly Invitae), Labcorp
Classification: Uncertain significance. Last evaluated: 2021-09-15. Review status: criteria provided, single submitter. Criteria: Invitae Variant Classification Sherloc (09022015). Collection method: clinical testing. Allele origin: germline.
Comment: This sequence change replaces arginine with glutamine at codon 2039 of the CAD protein (p.Arg2039Gln). The arginine residue is highly conserved and there is a small physicochemical difference between arginine and glutamine. This variant is not present in population databases (ExAC no frequency). This variant has not been reported in the literature in individuals affected with CAD-related conditions. Algorithms developed to predict the effect of missense changes on protein structure and function are either unavailable or do not agree on the potential impact of this missense change (SIFT: "Tolerated"; PolyPhen-2: "Possibly Damaging"; Align-GVGD: "Class C0"). In summary, the available evidence is currently insufficient to determine the role of this variant in disease. Therefore, it has been classified as a Variant of Uncertain Significance.